The following is an entry in ClinVar:

NM_182746.3(MCM4):c.1982G>A (p.Arg661His)

Gene: MCM4 (minichromosome maintenance complex component 4; plus strand). Cytogenetic location: 8q11.21.
Variant type: single nucleotide variant.
Coding change: c.1982G>A on transcript NM_182746.3 (MANE Select); coding-DNA position 1982, G replaced by A.
Protein change: p.Arg661His; replaces arginine 661 with histidine.
Molecular consequence: missense variant.
Genome position (GRCh38, 1-based): chr8:47,972,910, G>A. VCF-style: chr8-47972910-G-A. GRCh37 (hg19) VCF-style: chr8-48885470-G-A.
Other names: c.1982G>A (NM_005914.3); c.1982G>A, p.Arg661His (NM_005914.4); short protein forms R661H.
Identifiers: ClinVar variation 1369720 (VCV001369720.7), dbSNP rs781710882, ClinGen allele CA4742770.

ClinVar aggregate classification (germline): Uncertain significance. Review status: criteria provided, multiple submitters, no conflicts (2 of 4 stars). 2 submissions from 2 submitters: Uncertain significance (2). Last evaluated 2025-01-25.

Allele frequency attached by ClinVar (database versions not stated): gnomAD 0.00004 and 0.00005; ExAC 0.00008; TOPMed 0.00008.
gnomAD v4.1: 50 of 1,614,032 alleles (0.0031%); highest among the groups gnomAD compares: East Asian, 0.027%; no homozygotes.

Submissions (2):

GeneDx
Classification: Uncertain significance. Last evaluated: 2025-01-25. Review status: criteria provided, single submitter. Criteria: GeneDx Variant Classification Process June 2021. Collection method: clinical testing. Allele origin: germline. Affected: yes.
Comment: In silico analysis supports that this missense variant has a deleterious effect on protein structure/function; Has not been previously published as pathogenic or benign to our knowledge

Labcorp Genetics (formerly Invitae), Labcorp
Classification: Uncertain significance. Last evaluated: 2024-12-20. Review status: criteria provided, single submitter. Criteria: Invitae Variant Classification Sherloc (09022015). Collection method: clinical testing. Allele origin: germline.
Comment: This sequence change replaces arginine, which is basic and polar, with histidine, which is basic and polar, at codon 661 of the MCM4 protein (p.Arg661His). This variant is present in population databases (rs781710882, gnomAD 0.09%). This variant has not been reported in the literature in individuals affected with MCM4-related conditions. ClinVar contains an entry for this variant (Variation ID: 1369720). Invitae Evidence Modeling of protein sequence and biophysical properties (such as structural, functional, and spatial information, amino acid conservation, physicochemical variation, residue mobility, and thermodynamic stability) indicates that this missense variant is not expected to disrupt MCM4 protein function with a negative predictive value of 80%. In summary, the available evidence is currently insufficient to determine the role of this variant in disease. Therefore, it has been classified as a Variant of Uncertain Significance.